The following is an entry in ClinVar:

ClinVar aggregate classification (germline): Uncertain significance (1 of 4 stars; one submission).

Allele frequency attached by ClinVar (database versions not stated): TOPMed below 0.00001; gnomAD 0.00001 and 0.00002.
gnomAD v4.1: 3 of 1,613,930 alleles (0.00019%); highest among the groups gnomAD compares: Admixed American, 0.005%; no homozygotes.

Submission:

Labcorp Genetics (formerly Invitae), Labcorp
Classification: Uncertain significance. Last evaluated: 2022-11-15. Review status: criteria provided, single submitter. Criteria: Invitae Variant Classification Sherloc (09022015). Collection method: clinical testing. Allele origin: germline.
Comment: This variant has not been reported in the literature in individuals affected with NDUFS1-related conditions. ClinVar contains an entry for this variant (Variation ID: 1500499). Advanced modeling of protein sequence and biophysical properties (such as structural, functional, and spatial information, amino acid conservation, physicochemical variation, residue mobility, and thermodynamic stability) performed at Invitae indicates that this missense variant is expected to disrupt NDUFS1 protein function. In summary, the available evidence is currently insufficient to determine the role of this variant in disease. Therefore, it has been classified as a Variant of Uncertain Significance. This variant is not present in population databases (gnomAD no frequency). This sequence change replaces alanine, which is neutral and non-polar, with valine, which is neutral and non-polar, at codon 230 of the NDUFS1 protein (p.Ala230Val).

NM_005006.7(NDUFS1):c.689C>T (p.Ala230Val)

Gene: NDUFS1 (NADH:ubiquinone oxidoreductase core subunit S1; minus strand). Cytogenetic location: 2q33.3.
Variant type: single nucleotide variant.
Coding change: c.689C>T on transcript NM_005006.7 (MANE Select); coding-DNA position 689, C replaced by T.
Protein change: p.Ala230Val; replaces alanine 230 with valine.
Molecular consequence: missense variant.
Genome position (GRCh38, 1-based): chr2:206,146,951, G>A on the plus strand (C>T on the coding strand, the complement: NDUFS1 is on the minus strand). VCF-style: chr2-206146951-G-A. GRCh37 (hg19) VCF-style: chr2-207011675-G-A.
Other names: c.581C>T, p.Ala194Val (NM_001199981.2); c.356C>T, p.Ala119Val (NM_001199982.2); c.518C>T, p.Ala173Val (NM_001199983.2); c.731C>T, p.Ala244Val (NM_001199984.2); short protein forms A119V, A244V, A194V, A230V, A173V.
Identifiers: ClinVar variation 1500499 (VCV001500499.8), dbSNP rs1575984450, ClinGen allele CA350059162.